The following is an entry in ClinVar:

ClinVar aggregate classification (germline): Uncertain significance. Review status: criteria provided, multiple submitters, no conflicts (2 of 4 stars). 2 submissions from 2 submitters: Uncertain significance (2). Last evaluated 2025-02-09.

Conditions:
Inborn genetic diseases. Identifiers: MedGen C0950123, MeSH D030342.

Allele frequency attached by ClinVar (database versions not stated): ExAC 0.00007; gnomAD 0.00013; ESP Exome Variant Server 0.00015; TOPMed 0.00017.

Submissions (2):

Ambry Genetics
Classification: Uncertain significance for Inborn genetic diseases. Last evaluated: 2025-02-09. Review status: criteria provided, single submitter. Criteria: Ambry Variant Classification Scheme 2023. Collection method: clinical testing. Allele origin: germline.

Labcorp Genetics (formerly Invitae), Labcorp
Classification: Uncertain significance. Last evaluated: 2025-01-15. Review status: criteria provided, single submitter. Criteria: Invitae Variant Classification Sherloc (09022015). Collection method: clinical testing. Allele origin: germline.
Comment: This sequence change replaces proline, which is neutral and non-polar, with leucine, which is neutral and non-polar, at codon 834 of the COL27A1 protein (p.Pro834Leu). This variant is present in population databases (rs147281917, gnomAD 0.03%). This variant has not been reported in the literature in individuals affected with COL27A1-related conditions. ClinVar contains an entry for this variant (Variation ID: 2051107). Invitae Evidence Modeling of protein sequence and biophysical properties (such as structural, functional, and spatial information, amino acid conservation, physicochemical variation, residue mobility, and thermodynamic stability) indicates that this missense variant is not expected to disrupt COL27A1 protein function with a negative predictive value of 80%. In summary, the available evidence is currently insufficient to determine the role of this variant in disease. Therefore, it has been classified as a Variant of Uncertain Significance.

NM_032888.4(COL27A1):c.2501C>T (p.Pro834Leu)

Gene: COL27A1 (collagen type XXVII alpha 1 chain; plus strand). Cytogenetic location: 9q32.
Variant type: single nucleotide variant.
Coding change: c.2501C>T on transcript NM_032888.4 (MANE Select); coding-DNA position 2501, C replaced by T.
Protein change: p.Pro834Leu; replaces proline 834 with leucine.
Molecular consequence: missense variant.
Genome position (GRCh38, 1-based): chr9:114,231,113, C>T. VCF-style: chr9-114231113-C-T. GRCh37 (hg19) VCF-style: chr9-116993393-C-T.
Other names: c.2501C>T (NM_032888.2); short protein forms P834L.
Identifiers: ClinVar variation 2051107 (VCV002051107.3), dbSNP rs147281917, ClinGen allele CA5201906.